The following is an entry in ClinVar:

ClinVar aggregate classification (germline): Conflicting classifications of pathogenicity. Review status: criteria provided, conflicting classifications (1 of 4 stars). 2 submissions from 2 submitters: Uncertain significance (1); Likely benign (1). Last evaluated 2021-09-01.

Conditions:
Schnyder crystalline corneal dystrophy (SCCD). Also called: Crystalline corneal dystrophy; Schnyder corneal dystrophy. Identifiers: Orphanet 98967, MedGen C0271287, MONDO:0007374, OMIM 121800.

Allele frequency attached by ClinVar (database versions not stated): gnomAD exomes 0.00003 and 0.00006; TOPMed 0.00003; gnomAD 0.00001; ExAC 0.00002.
gnomAD v4.1: 101 of 1,614,034 alleles (0.0063%); highest among the groups gnomAD compares: Non-Finnish European, 0.0077%; no homozygotes.

Submissions (2):

Ambry Genetics
Classification: Uncertain significance. Last evaluated: 2021-09-01. Review status: criteria provided, single submitter. Criteria: Ambry Variant Classification Scheme 2023. Collection method: clinical testing. Allele origin: germline.

Illumina Laboratory Services, Illumina
Classification: Likely benign for Schnyder crystalline corneal dystrophy. Last evaluated: 2018-01-13. Review status: criteria provided, single submitter. Criteria: ICSL Variant Classification Criteria 13 December 2019. Collection method: clinical testing. Allele origin: germline.
Comment: This variant was observed in the ICSL laboratory as part of a predisposition screen in an ostensibly healthy population. It had not been previously curated by ICSL or reported in the Human Gene Mutation Database (HGMD: prior to June 1st, 2018), and was therefore a candidate for classification through an automated scoring system. Utilizing variant allele frequency, disease prevalence and penetrance estimates, and inheritance mode, an automated score was calculated to assess if this variant is too frequent to cause the disease. Based on the score and internal cut-off values, a variant classified as likely benign is not then subjected to further curation. The score for this variant resulted in a classification of likely benign for this disease.

NM_013319.3(UBIAD1):c.116A>G (p.Gln39Arg)

Gene: UBIAD1 (UbiA prenyltransferase domain containing 1; plus strand). Cytogenetic location: 1p36.22.
Variant type: single nucleotide variant.
Coding change: c.116A>G on transcript NM_013319.3 (MANE Select); coding-DNA position 116, A replaced by G.
Protein change: p.Gln39Arg; replaces glutamine 39 with arginine.
Molecular consequence: missense variant.
Genome position (GRCh38, 1-based): chr1:11,273,647, A>G. VCF-style: chr1-11273647-A-G. GRCh37 (hg19) VCF-style: chr1-11333704-A-G.
Other names: c.116A>G, p.Gln39Arg (NM_001330349.2, NM_001330350.2); short protein forms Q39R.
Identifiers: ClinVar variation 874961 (VCV000874961.6), dbSNP rs761963387, ClinGen allele CA591098.